The following is an entry in ClinVar:

ClinVar aggregate classification (germline): Uncertain significance (1 of 4 stars; one submission).

Submission:

GeneDx
Classification: Uncertain significance. Last evaluated: 2023-05-17. Review status: criteria provided, single submitter. Criteria: GeneDx Variant Classification Process June 2021. Collection method: clinical testing. Allele origin: germline. Affected: yes.
Comment: Not observed at significant frequency in large population cohorts (gnomAD); In silico analysis supports that this missense variant does not alter protein structure/function; Has not been previously published as pathogenic or benign to our knowledge

NM_001126108.2(SLC12A3):c.143G>A (p.Ser48Asn)

Gene: SLC12A3 (solute carrier family 12 member 3; plus strand). Cytogenetic location: 16q13.
Variant type: single nucleotide variant.
Coding change: c.143G>A on transcript NM_001126108.2 (MANE Select); coding-DNA position 143, G replaced by A.
Protein change: p.Ser48Asn; replaces serine 48 with asparagine.
Molecular consequence: missense variant.
Genome position (GRCh38, 1-based): chr16:56,865,378, G>A. VCF-style: chr16-56865378-G-A. GRCh37 (hg19) VCF-style: chr16-56899290-G-A.
Other names: c.143G>A, p.Ser48Asn (NM_000339.3, NM_001126107.2, NM_001410896.1); short protein forms S48N.
Identifiers: ClinVar variation 3343630 (VCV003343630.1).